The following is an entry in ClinVar:

NM_000038.6(APC):c.3783_3784del (p.Tyr1262fs)

Gene: APC (APC regulator of Wnt signaling pathway; plus strand). Cytogenetic location: 5q22.2.
Variant type: Deletion.
Coding change: c.3783_3784del on transcript NM_000038.6 (MANE Select); coding-DNA positions 3783 to 3784, 2 bases deleted (TT; older notation c.3783_3784delTT).
Protein change: p.Tyr1262fs; shifts the reading frame from tyrosine 1262.
Molecular consequence: frameshift variant.
Genome position (GRCh38, 1-based): chr5:112,839,377-112,839,378, TT deleted. VCF-style (leftmost placement, unchanged base first): chr5-112839376-CTT-C. GRCh37 (hg19) VCF-style: chr5-112175073-CTT-C.
Other names: c.3783_3784del, p.Tyr1262fs (NM_001127510.3, NM_001354895.2); c.3729_3730del, p.Tyr1244fs (NM_001127511.3); c.3837_3838del, p.Tyr1280fs (NM_001354896.2); c.3813_3814del, p.Tyr1272fs (NM_001354897.2); c.3708_3709del, p.Tyr1237fs (NM_001354898.2); c.3699_3700del, p.Tyr1234fs (NM_001354899.2); c.3660_3661del, p.Tyr1221fs (NM_001354900.2); c.3606_3607del, p.Tyr1203fs (NM_001354901.2); and 6 more; short protein forms Y1221fs, Y979fs, Y1136fs, Y1234fs, Y1244fs, Y1203fs, Y1262fs, Y1280fs.
Identifiers: ClinVar variation 537503 (VCV000537503.15), dbSNP rs1554085303, ClinGen allele CA658796563.

ClinVar aggregate classification (germline): Pathogenic. Review status: criteria provided, multiple submitters, no conflicts (2 of 4 stars). 3 submissions from 3 submitters: Pathogenic (3). Last evaluated 2023-05-09.

Conditions:
Familial multiple polyposis syndrome (FAP). Also called: Familial Adenomatous Polyposis (FAP); Familial adenomatous polyposis; Familial intestinal polyposis; Familial polyposis; Classic familial adenomatous polyposis. Identifiers: Orphanet 733, MedGen C0032580, MONDO:0021055. Disease mechanism: loss of function.
Familial adenomatous polyposis 1 (FAP1). Also called: FAMILIAL ADENOMATOUS POLYPOSIS 1, ATTENUATED; POLYPOSIS, ADENOMATOUS INTESTINAL. Identifiers: MedGen C2713442, MONDO:0021056, OMIM 175100. Disease mechanism: loss of function.

Submissions (3):

Myriad Genetics, Inc.
Classification: Pathogenic for Familial adenomatous polyposis 1. Last evaluated: 2023-05-09. Review status: criteria provided, single submitter. Criteria: Myriad Autosomal Dominant, Autosomal Recessive and X-Linked Classification Criteria (2023). Collection method: clinical testing. Allele origin: unknown.
Comment: This variant is considered pathogenic. This variant creates a frameshift predicted to result in premature protein truncation.

Labcorp Genetics (formerly Invitae), Labcorp
Classification: Pathogenic for Familial adenomatous polyposis 1. Last evaluated: 2021-05-09. Review status: criteria provided, single submitter. Criteria: Invitae Variant Classification Sherloc (09022015). Collection method: clinical testing. Allele origin: germline.
Comment: This variant is expected to disrupt the EB1 and HDLG binding sites, which mediate interactions with the cytoskeleton (PMID: 15311282, 17293347). While functional studies have not been performed to directly test the effect on APC protein function, this suggests that disruption of the C-terminal portion of the protein is functionally important. This variant has been reported in several individuals affected with familial adenomatous polyposis (PMID: 8111416, 15108288, 17963004). ClinVar contains an entry for this variant (Variation ID: 537503). This variant is not present in population databases (ExAC no frequency). This sequence change results in a premature translational stop signal in the APC gene (p.Tyr1262Leufs*13). While this is not anticipated to result in nonsense mediated decay, it is expected to disrupt the last 1,582 amino acids of the APC protein. For these reasons, this variant has been classified as Pathogenic. A different truncation (p.Tyr2645Lysfs*14) that lies downstream of this variant has been determined to be pathogenic (PMID: 9824584, 1316610, 27081525, 8381579, 22135120, Invitae). This suggests that deletion of this region of the APC protein is causative of disease.

Women's Health and Genetics/Laboratory Corporation of America, LabCorp
Classification: Pathogenic for Familial adenomatous polyposis. Last evaluated: 2019-09-17. Review status: criteria provided, single submitter. Criteria: LabCorp Variant Classification Summary - May 2015. Collection method: clinical testing. Allele origin: germline.
Comment: Variant summary: APC c.3783_3784delTT (p.Tyr1262LeufsX13) results in a premature termination codon, predicted to cause a truncation of the encoded protein or absence of the protein due to nonsense mediated decay, which are commonly known mechanisms for disease. Truncations downstream of this position have been classified as pathogenic by our laboratory (e.g. c.3927_3931delAAAGA (p.Glu1309fsX4), c.4393_4394dupAG (p.Ser1465fsX9)). The variant was absent in 250350 control chromosomes (gnomAD). c.3783_3784delTT has been reported in the literature in individuals affected with Familial Adenomatous Polyposis (e.g. Tamura_1993, Rosa_2004, Truta_2005, DeLaFuente_2007). These data indicate that the variant is likely to be associated with disease. To our knowledge, no experimental evidence demonstrating an impact on protein function has been reported. One ClinVar submitter (evaluation after 2014) has cited the variant as pathogenic. Based on the evidence outlined above, the variant was classified as pathogenic.

Literature cited by the submitters: PubMed 15311282 (cited by Labcorp Genetics (formerly Invitae), Labcorp); PubMed 17293347 (cited by Labcorp Genetics (formerly Invitae), Labcorp); PubMed 8111416 (cited by Labcorp Genetics (formerly Invitae), Labcorp and Women's Health and Genetics/Laboratory Corporation of America, LabCorp); PubMed 15108288 (cited by Labcorp Genetics (formerly Invitae), Labcorp and Women's Health and Genetics/Laboratory Corporation of America, LabCorp); PubMed 17963004 (cited by Labcorp Genetics (formerly Invitae), Labcorp and Women's Health and Genetics/Laboratory Corporation of America, LabCorp); PubMed 9824584 (cited by Labcorp Genetics (formerly Invitae), Labcorp); PubMed 1316610 (cited by Labcorp Genetics (formerly Invitae), Labcorp); PubMed 27081525 (cited by Labcorp Genetics (formerly Invitae), Labcorp); PubMed 8381579 (cited by Labcorp Genetics (formerly Invitae), Labcorp); PubMed 22135120 (cited by Labcorp Genetics (formerly Invitae), Labcorp); PubMed 15951963 (cited by Women's Health and Genetics/Laboratory Corporation of America, LabCorp).